The following is an entry in ClinVar:

NM_006946.4(SPTBN2):c.5825C>T (p.Ala1942Val)

Gene: SPTBN2 (spectrin beta, non-erythrocytic 2; minus strand). Cytogenetic location: 11q13.2.
Variant type: single nucleotide variant.
Coding change: c.5825C>T on transcript NM_006946.4 (MANE Select); coding-DNA position 5825, C replaced by T.
Protein change: p.Ala1942Val; replaces alanine 1942 with valine.
Molecular consequence: missense variant.
Genome position (GRCh38, 1-based): chr11:66,689,929, G>A on the plus strand (C>T on the coding strand, the complement: SPTBN2 is on the minus strand). VCF-style: chr11-66689929-G-A. GRCh37 (hg19) VCF-style: chr11-66457400-G-A.
Other names: c.5825C>T (NM_006946.2); c.5846C>T, p.Ala1949Val (NM_001411025.1); short protein forms A1942V, A1949V.
Identifiers: ClinVar variation 1937050 (VCV001937050.7), dbSNP rs765483709, ClinGen allele CA224078388.

ClinVar aggregate classification (germline): Conflicting classifications of pathogenicity. Review status: criteria provided, conflicting classifications (1 of 4 stars). 3 submissions from 3 submitters: Uncertain significance (2); Likely benign (1). Last evaluated 2025-02-21.

Conditions:
Inborn genetic diseases. Identifiers: MedGen C0950123, MeSH D030342.

Allele frequency attached by ClinVar (database versions not stated): gnomAD 0.00003.
gnomAD v4.1: 66 of 1,613,882 alleles (0.0041%); highest among the groups gnomAD compares: Non-Finnish European, 0.0046%; no homozygotes.

Submissions (3):

Athena Diagnostics
Classification: Uncertain significance. Last evaluated: 2025-02-21. Review status: criteria provided, single submitter. Criteria: Athena Diagnostics Criteria. Collection method: clinical testing. Allele origin: unknown.
Comment: Available data are insufficient to determine the clinical significance of the variant at this time. The frequency of this variant in the general population is uninformative in assessment of its pathogenicity. Polyphen and MutationTaster predict this amino acid change may be benign.

Ambry Genetics
Classification: Uncertain significance for Inborn genetic diseases. Last evaluated: 2025-01-27. Review status: criteria provided, single submitter. Criteria: Ambry Variant Classification Scheme 2023. Collection method: clinical testing. Allele origin: germline.

Labcorp Genetics (formerly Invitae), Labcorp
Classification: Likely benign. Last evaluated: 2022-04-08. Review status: criteria provided, single submitter. Criteria: Invitae Variant Classification Sherloc (09022015). Collection method: clinical testing. Allele origin: germline.